The following is an entry in ClinVar:

NM_017849.4(TMEM127):c.512T>C (p.Val171Ala)

Gene: TMEM127 (transmembrane protein 127; minus strand). Cytogenetic location: 2q11.2.
Variant type: single nucleotide variant.
Coding change: c.512T>C on transcript NM_017849.4 (MANE Select); coding-DNA position 512, T replaced by C.
Protein change: p.Val171Ala; replaces valine 171 with alanine.
Molecular consequence: missense variant.
Genome position (GRCh38, 1-based): chr2:96,254,013, A>G on the plus strand (T>C on the coding strand, the complement: TMEM127 is on the minus strand). VCF-style: chr2-96254013-A-G. GRCh37 (hg19) VCF-style: chr2-96919751-A-G.
Other names: c.512T>C, p.Val171Ala (NM_001193304.3); c.260T>C, p.Val87Ala (NM_001407282.1, NM_001407283.1); short protein forms V171A, V87A.
Identifiers: ClinVar variation 4282225 (VCV004282225.1).

ClinVar aggregate classification (germline): Uncertain significance (1 of 4 stars; one submission).

Submission:

GeneDx
Classification: Uncertain significance. Last evaluated: 2025-04-18. Review status: criteria provided, single submitter. Criteria: GeneDx Variant Classification Process June 2021. Collection method: clinical testing. Allele origin: germline. Affected: yes.
Comment: Not observed at significant frequency in large population cohorts (gnomAD); In silico analysis supports that this missense variant has a deleterious effect on protein structure/function; Has not been previously published as pathogenic or benign to our knowledge; This variant is associated with the following publications: (PMID: 21156949)